The following is an entry in ClinVar:

ClinVar aggregate classification (germline): Uncertain significance (1 of 4 stars; one submission).

Conditions:
Werner syndrome (WRN). Identifiers: Orphanet 902, MedGen C0043119, MONDO:0010196, OMIM 277700.

Allele frequency attached by ClinVar (database versions not stated): gnomAD exomes 0.00001.
gnomAD v4.1: 11 of 1,613,026 alleles (0.00068%); highest among the groups gnomAD compares: Non-Finnish European, 0.00093%; no homozygotes.

Submission:

Labcorp Genetics (formerly Invitae), Labcorp
Classification: Uncertain significance for Werner syndrome. Last evaluated: 2020-02-05. Review status: criteria provided, single submitter. Criteria: Invitae Variant Classification Sherloc (09022015). Collection method: clinical testing. Allele origin: germline.
Comment: This sequence change replaces serine with proline at codon 462 of the WRN protein (p.Ser462Pro). The serine residue is highly conserved and there is a moderate physicochemical difference between serine and proline. This variant is not present in population databases (ExAC no frequency). This variant has not been reported in the literature in individuals with WRN-related conditions. Algorithms developed to predict the effect of missense changes on protein structure and function are either unavailable or do not agree on the potential impact of this missense change (SIFT: Not available; PolyPhen-2: Probably Damaging; Align-GVGD: Not available). In summary, the available evidence is currently insufficient to determine the role of this variant in disease. Therefore, it has been classified as a Variant of Uncertain Significance.

NM_000553.6(WRN):c.1384T>C (p.Ser462Pro)

Gene: WRN (WRN RecQ like helicase; plus strand). Cytogenetic location: 8p12.
Variant type: single nucleotide variant.
Coding change: c.1384T>C on transcript NM_000553.6 (MANE Select); coding-DNA position 1384, T replaced by C.
Protein change: p.Ser462Pro; replaces serine 462 with proline.
Molecular consequence: missense variant.
Genome position (GRCh38, 1-based): chr8:31,085,199, T>C. VCF-style: chr8-31085199-T-C. GRCh37 (hg19) VCF-style: chr8-30942715-T-C.
Other names: short protein forms S462P.
Identifiers: ClinVar variation 1025661 (VCV001025661.1), dbSNP rs1813482200, ClinGen allele CA370923762.